The following is an entry in ClinVar:

ClinVar aggregate classification (germline): Uncertain significance (1 of 4 stars; one submission).

Submission:

Labcorp Genetics (formerly Invitae), Labcorp
Classification: Uncertain significance. Last evaluated: 2025-09-08. Review status: criteria provided, single submitter. Criteria: Invitae Variant Classification Sherloc (09022015). Collection method: clinical testing. Allele origin: germline.
Comment: This sequence change replaces arginine, which is basic and polar, with serine, which is neutral and polar, at codon 736 of the ERCC3 protein (p.Arg736Ser). This variant is not present in population databases (gnomAD no frequency). This variant has not been reported in the literature in individuals affected with ERCC3-related conditions. ClinVar contains an entry for this variant (Variation ID: 1395585). Invitae Evidence Modeling of protein sequence and biophysical properties (such as structural, functional, and spatial information, amino acid conservation, physicochemical variation, residue mobility, and thermodynamic stability) indicates that this missense variant is not expected to disrupt ERCC3 protein function with a negative predictive value of 80%. In summary, the available evidence is currently insufficient to determine the role of this variant in disease. Therefore, it has been classified as a Variant of Uncertain Significance.

NM_000122.2(ERCC3):c.2208A>C (p.Arg736Ser)

Gene: ERCC3 (ERCC excision repair 3, TFIIH core complex helicase subunit; minus strand). Cytogenetic location: 2q14.3.
Variant type: single nucleotide variant.
Coding change: c.2208A>C on transcript NM_000122.2 (MANE Select); coding-DNA position 2208, A replaced by C.
Protein change: p.Arg736Ser; replaces arginine 736 with serine.
Molecular consequence: missense variant.
Genome position (GRCh38, 1-based): chr2:127,259,305, T>G on the plus strand (A>C on the coding strand, the complement: ERCC3 is on the minus strand). VCF-style: chr2-127259305-T-G. GRCh37 (hg19) VCF-style: chr2-128016881-T-G.
Other names: c.2016A>C, p.Arg672Ser (NM_001303416.2, NM_001303418.2); short protein forms R736S, R672S.
Identifiers: ClinVar variation 1395585 (VCV001395585.6), dbSNP rs2104728517, ClinGen allele CA348385514.